The following is an entry in ClinVar:

NM_002637.4(PHKA1):c.1429C>G (p.Arg477Gly)

Gene: PHKA1 (phosphorylase kinase regulatory subunit alpha 1; minus strand). Cytogenetic location: Xq13.1.
Variant type: single nucleotide variant.
Coding change: c.1429C>G on transcript NM_002637.4 (MANE Select); coding-DNA position 1429, C replaced by G.
Protein change: p.Arg477Gly; replaces arginine 477 with glycine.
Molecular consequence: missense variant.
Genome position (GRCh38, 1-based): chrX:72,644,392, G>C on the plus strand (C>G on the coding strand, the complement: PHKA1 is on the minus strand). VCF-style: chrX-72644392-G-C. GRCh37 (hg19) VCF-style: chrX-71864242-G-C.
Other names: c.1429C>G, p.Arg477Gly (NM_001122670.2, NM_001172436.2, NM_001431068.1 and 2 more transcripts); short protein forms R477G.
Identifiers: ClinVar variation 4527492 (VCV004527492.1).

ClinVar aggregate classification (germline): Uncertain significance (1 of 4 stars; one submission).

Submission:

GeneDx
Classification: Uncertain significance. Last evaluated: 2025-04-25. Review status: criteria provided, single submitter. Criteria: GeneDx Variant Classification Process June 2021. Collection method: clinical testing. Allele origin: germline. Affected: yes.
Comment: Not observed at significant frequency in large population cohorts (gnomAD); In silico analysis supports that this missense variant has a deleterious effect on protein structure/function; Has not been previously published as pathogenic or benign to our knowledge